The following is an entry in ClinVar:

ClinVar aggregate classification (germline): Conflicting classifications of pathogenicity. Review status: criteria provided, conflicting classifications (1 of 4 stars). 2 submissions from 2 submitters: Uncertain significance (1); Likely benign (1). Last evaluated 2026-03-08.

Conditions:
Hereditary cancer-predisposing syndrome. Also called: Hereditary Cancer Syndrome; Neoplastic Syndromes, Hereditary; Tumor predisposition; Hereditary neoplastic syndrome. Identifiers: Orphanet 140162, MedGen C0027672, MeSH D009386, MONDO:0015356.
Gorlin syndrome. Also called: Basal cell nevus syndrome; Nevoid Basal Cell Carcinoma Syndrome. Identifiers: Orphanet 377, MedGen C0004779, MONDO:0007187.

Allele frequency attached by ClinVar (database versions not stated): gnomAD exomes 0.00001.
gnomAD v4.1: 13 of 1,612,428 alleles (0.00081%); highest among the groups gnomAD compares: Non-Finnish European, 0.001%; no homozygotes.

Submissions (2):

Ambry Genetics
Classification: Uncertain significance for Hereditary cancer-predisposing syndrome. Last evaluated: 2026-03-08. Review status: criteria provided, single submitter. Criteria: Ambry Variant Classification Scheme 2023. Collection method: clinical testing. Allele origin: germline.
Comment: The p.Y55F variant (also known as c.164A>T), located in coding exon 1 of the PTCH1 gene, results from an A to T substitution at nucleotide position 164. The tyrosine at codon 55 is replaced by phenylalanine, an amino acid with highly similar properties. This amino acid position is conserved. In addition, the in silico prediction for this alteration is inconclusive. Based on the available evidence, the clinical significance of this variant remains unclear.

Labcorp Genetics (formerly Invitae), Labcorp
Classification: Likely benign for Gorlin syndrome. Last evaluated: 2023-07-10. Review status: criteria provided, single submitter. Criteria: Invitae Variant Classification Sherloc (09022015). Collection method: clinical testing. Allele origin: germline.

NM_000264.5(PTCH1):c.164A>T (p.Tyr55Phe)

Gene: PTCH1 (patched 1; minus strand). Cytogenetic location: 9q22.32.
Variant type: single nucleotide variant.
Coding change: c.164A>T on transcript NM_000264.5 (MANE Select); coding-DNA position 164, A replaced by T.
Protein change: p.Tyr55Phe; replaces tyrosine 55 with phenylalanine.
Molecular consequence: missense variant. On other transcripts: non-coding transcript variant (1), intron variant (3).
Genome position (GRCh38, 1-based): chr9:95,508,198, T>A on the plus strand (A>T on the coding strand, the complement: PTCH1 is on the minus strand). VCF-style: chr9-95508198-T-A. GRCh37 (hg19) VCF-style: chr9-98270480-T-A.
Other names: c.164A>T (NM_000264.3); c.164A>T, p.Tyr55Phe (NM_001354918.2); c.199-1599A>T (NM_001083603.3); c.4-1599A>T (NM_001083602.3, NM_001354919.2); short protein forms Y55F.
Identifiers: ClinVar variation 1061794 (VCV001061794.10), dbSNP rs1205081001, ClinGen allele CA374121318.